The following is an entry in ClinVar:

NM_001322841.2(ABR):c.221CCGGGCGCCCCGACCCCGAGGCCGAGTCTCCCCGCGGGGACC[1] (p.74PGRPDPEAESPRGD[1])

Gene: ABR (ABR activator of RhoGEF and GTPase; minus strand). Cytogenetic location: 17p13.3.
Variant type: Microsatellite.
Coding change: c.221CCGGGCGCCCCGACCCCGAGGCCGAGTCTCCCCGCGGGGACC[1] on transcript NM_001322841.2; one copy of the 42-base unit CCGGGCGCCCCGACCCCGAGGCCGAGTCTCCCCGCGGGGACC starting at c.221; the reference has two copies in a row; one copy, 42 bases deleted.
Protein change: p.74PGRPDPEAESPRGD[1].
Molecular consequence: inframe deletion.
Genome position (GRCh38, 1-based): chr17:1,229,327-1,229,368, 42 bases deleted; deleting any 42 consecutive bases within chr17:1,229,327-1,229,411 gives the same sequence; the position shown is the placement nearest the transcript's 3' end. GRCh37 (hg19), VCF-style position (the base before the change): chr17:1,132,620.
Other names: c.221CCGGGCGCCCCGACCCCGAGGCCGAGTCTCCCCGCGGGGACC[1], p.74PGRPDPEAESPRGD[1] (NM_001322842.2).
Identifiers: ClinVar variation 3047017 (VCV003047017.2), dbSNP rs1417425135, ClinGen allele CA497274090.

ClinVar aggregate classification (germline): Likely benign (0 of 4 stars; one submission).

Conditions:
ABR-related disorder. Also called: ABR-related condition.

Submission:

PreventionGenetics, part of Exact Sciences
Classification: Likely benign for ABR-related condition. Last evaluated: 2021-03-22. Review status: no assertion criteria provided. Collection method: clinical testing. Allele origin: germline.
Comment: This variant is classified as likely benign based on ACMG/AMP sequence variant interpretation guidelines (Richards et al. 2015 PMID: 25741868, with internal and published modifications).